The following is an entry in ClinVar:

ClinVar aggregate classification (germline): Uncertain significance. Review status: criteria provided, multiple submitters, no conflicts (2 of 4 stars). 2 submissions from 2 submitters: Uncertain significance (2). Last evaluated 2025-11-03.

Conditions:
POLD1-related polyposis and colorectal cancer syndrome (CRCS10). Also called: Colorectal cancer, susceptibility to, 10; Colorectal cancer 10; COLORECTAL CANCER, SUSCEPTIBILITY TO, ON CHROMOSOME 19q. Identifiers: Orphanet 220460, MedGen C2675481, MONDO:0012953, OMIM 612591.
Hereditary cancer-predisposing syndrome. Also called: Hereditary Cancer Syndrome; Hereditary neoplastic syndrome; Neoplastic Syndromes, Hereditary; Tumor predisposition. Identifiers: Orphanet 140162, MedGen C0027672, MeSH D009386, MONDO:0015356.

Submissions (2):

Labcorp Genetics (formerly Invitae), Labcorp
Classification: Uncertain significance for POLD1-related polyposis and colorectal cancer syndrome. Last evaluated: 2025-11-03. Review status: criteria provided, single submitter. Criteria: Invitae Variant Classification Sherloc (09022015). Collection method: clinical testing. Allele origin: germline.
Comment: This sequence change replaces glycine, which is neutral and non-polar, with alanine, which is neutral and non-polar, at codon 230 of the POLD1 protein (p.Gly230Ala). This variant is not present in population databases (gnomAD no frequency). This variant has not been reported in the literature in individuals affected with POLD1-related conditions. ClinVar contains an entry for this variant (Variation ID: 2625404). Invitae Evidence Modeling of protein sequence and biophysical properties (such as structural, functional, and spatial information, amino acid conservation, physicochemical variation, residue mobility, and thermodynamic stability) indicates that this missense variant is not expected to disrupt POLD1 protein function with a negative predictive value of 80%. In summary, the available evidence is currently insufficient to determine the role of this variant in disease. Therefore, it has been classified as a Variant of Uncertain Significance.

Ambry Genetics
Classification: Uncertain significance for Hereditary cancer-predisposing syndrome. Last evaluated: 2025-09-10. Review status: criteria provided, single submitter. Criteria: Ambry Variant Classification Scheme 2023. Collection method: clinical testing. Allele origin: germline.
Comment: The p.G230A variant (also known as c.689G>C), located in coding exon 5 of the POLD1 gene, results from a G to C substitution at nucleotide position 689. The glycine at codon 230 is replaced by alanine, an amino acid with similar properties. This amino acid position is conserved. In addition, this alteration is predicted to be tolerated by in silico analysis. Since supporting evidence is limited at this time, the clinical significance of this alteration remains unclear.

NM_002691.4(POLD1):c.689G>C (p.Gly230Ala)

Gene: POLD1 (DNA polymerase delta 1, catalytic subunit; plus strand). Cytogenetic location: 19q13.33.
Variant type: single nucleotide variant.
Coding change: c.689G>C on transcript NM_002691.4 (MANE Select); coding-DNA position 689, G replaced by C.
Protein change: p.Gly230Ala; replaces glycine 230 with alanine.
Molecular consequence: missense variant. On other transcripts: non-coding transcript variant (1).
Genome position (GRCh38, 1-based): chr19:50,402,304, G>C. VCF-style: chr19-50402304-G-C. GRCh37 (hg19) VCF-style: chr19-50905561-G-C.
Other names: c.689G>C, p.Gly230Ala (NM_001256849.1, NM_001308632.1); short protein forms G230A.
Identifiers: ClinVar variation 2625404 (VCV002625404.4), dbSNP rs1469174668, ClinGen allele CA406974363.